The following is an entry in ClinVar:

NM_005560.6(LAMA5):c.10868C>T (p.Ala3623Val)

Gene: LAMA5 (laminin subunit alpha 5; minus strand). Cytogenetic location: 20q13.33.
Variant type: single nucleotide variant.
Coding change: c.10868C>T on transcript NM_005560.6 (MANE Select); coding-DNA position 10868, C replaced by T.
Protein change: p.Ala3623Val; replaces alanine 3623 with valine.
Molecular consequence: missense variant.
Genome position (GRCh38, 1-based): chr20:62,309,796, G>A on the plus strand (C>T on the coding strand, the complement: LAMA5 is on the minus strand). VCF-style: chr20-62309796-G-A. GRCh37 (hg19) VCF-style: chr20-60884852-G-A.
Other names: short protein forms A3623V.
Identifiers: ClinVar variation 774967 (VCV000774967.35), dbSNP rs140197067, ClinGen allele CA9939561.

ClinVar aggregate classification (germline): Benign. Review status: criteria provided, multiple submitters, no conflicts (2 of 4 stars). 3 submissions from 3 submitters: Benign (3). Last evaluated 2026-03-01.

Allele frequency attached by ClinVar (database versions not stated): 1000 Genomes Project 0.00080; 1000 Genomes Project 30x 0.00109; ESP Exome Variant Server 0.00650; TOPMed 0.00661; ExAC 0.00674.
gnomAD v4.1: 13,761 of 1,610,506 alleles (0.85%); highest among the groups gnomAD compares: Non-Finnish European, 1.1%; 90 homozygotes.

Submissions (3):

CeGaT Center for Human Genetics Tuebingen
Classification: Benign. Last evaluated: 2026-03-01. Review status: criteria provided, single submitter. Criteria: CeGaT Center For Human Genetics Tuebingen Variant Classification Criteria Version 2. Collection method: clinical testing. Allele origin: germline. Affected: yes. Observed: 22 variant alleles.
Comment: LAMA5: BP4, BS1, BS2

Labcorp Genetics (formerly Invitae), Labcorp
Classification: Benign. Last evaluated: 2026-01-28. Review status: criteria provided, single submitter. Criteria: Invitae Variant Classification Sherloc (09022015). Collection method: clinical testing. Allele origin: germline.

Breakthrough Genomics
Classification: Benign. Review status: criteria provided, single submitter. Criteria: ACMG Guidelines, 2015. Collection method: not provided. Allele origin: germline. Inheritance: Autosomal recessive inheritance. Affected: yes.